The following is an entry in ClinVar:

ClinVar aggregate classification (germline): Uncertain significance (1 of 4 stars; one submission).

Allele frequency attached by ClinVar (database versions not stated): gnomAD exomes below 0.00001; gnomAD 0.00001; TOPMed 0.00001.
gnomAD v4.1: 8 of 1,613,644 alleles (0.0005%); highest among the groups gnomAD compares: Non-Finnish European, 0.00068%; no homozygotes.

Submission:

Labcorp Genetics (formerly Invitae), Labcorp
Classification: Uncertain significance. Last evaluated: 2022-07-28. Review status: criteria provided, single submitter. Criteria: Invitae Variant Classification Sherloc (09022015). Collection method: clinical testing. Allele origin: germline.
Comment: This sequence change replaces phenylalanine, which is neutral and non-polar, with leucine, which is neutral and non-polar, at codon 424 of the COL18A1 protein (p.Phe424Leu). This variant is present in population databases (no rsID available, gnomAD 0.0009%). This variant has not been reported in the literature in individuals affected with COL18A1-related conditions. ClinVar contains an entry for this variant (Variation ID: 1378226). Experimental studies and prediction algorithms are not available or were not evaluated, and the functional significance of this variant is currently unknown. In summary, the available evidence is currently insufficient to determine the role of this variant in disease. Therefore, it has been classified as a Variant of Uncertain Significance.

NM_001379500.1(COL18A1):c.1272C>A (p.Phe424Leu)

Gene: COL18A1 (collagen type XVIII alpha 1 chain; plus strand). Cytogenetic location: 21q22.3.
Variant type: single nucleotide variant.
Coding change: c.1272C>A on transcript NM_001379500.1 (MANE Select); coding-DNA position 1272, C replaced by A.
Protein change: p.Phe424Leu; replaces phenylalanine 424 with leucine.
Molecular consequence: missense variant.
Genome position (GRCh38, 1-based): chr21:45,479,925, C>A. VCF-style: chr21-45479925-C-A. GRCh37 (hg19) VCF-style: chr21-46899839-C-A.
Other names: c.1812C>A, p.Phe604Leu (NM_030582.4); c.2517C>A, p.Phe839Leu (NM_130444.3); short protein forms F424L, F604L, F839L.
Identifiers: ClinVar variation 1378226 (VCV001378226.3), dbSNP rs1438207437, ClinGen allele CA410516690.